The following is an entry in ClinVar:

ClinVar aggregate classification (germline): Uncertain significance. Review status: criteria provided, multiple submitters, no conflicts (2 of 4 stars). 2 submissions from 2 submitters: Uncertain significance (2). Last evaluated 2025-08-29.

Conditions:
IFT74-related disorder. Also called: IFT74-related condition; IFT74-Related Disorders.

Allele frequency attached by ClinVar (database versions not stated): TOPMed 0.00001; gnomAD 0.00003; ESP Exome Variant Server 0.00008.
gnomAD v4.1: 16 of 1,601,444 alleles (0.001%); highest among the groups gnomAD compares: South Asian, 0.015%; no homozygotes.

Submissions (2):

PreventionGenetics, part of Exact Sciences
Classification: Uncertain significance for IFT74-related condition. Last evaluated: 2025-08-29. Review status: criteria provided, single submitter. Criteria: ACMG Guidelines, 2015. Collection method: clinical testing. Allele origin: germline.
Comment: The IFT74 c.1775A>G variant is predicted to result in the amino acid substitution p.Asp592Gly. To our knowledge, this variant has not been reported in the literature. This variant is reported in 0.013% of alleles in individuals of African descent in gnomAD. At this time, the clinical significance of this variant is uncertain due to the absence of conclusive functional and genetic evidence.

Labcorp Genetics (formerly Invitae), Labcorp
Classification: Uncertain significance. Last evaluated: 2022-06-25. Review status: criteria provided, single submitter. Criteria: Invitae Variant Classification Sherloc (09022015). Collection method: clinical testing. Allele origin: germline.
Comment: In summary, the available evidence is currently insufficient to determine the role of this variant in disease. Therefore, it has been classified as a Variant of Uncertain Significance. Algorithms developed to predict the effect of sequence changes on RNA splicing suggest that this variant may disrupt the consensus splice site. Algorithms developed to predict the effect of missense changes on protein structure and function (SIFT, PolyPhen-2, Align-GVGD) all suggest that this variant is likely to be tolerated. This variant has not been reported in the literature in individuals affected with IFT74-related conditions. This variant is present in population databases (rs372962980, gnomAD 0.01%). This sequence change replaces aspartic acid, which is acidic and polar, with glycine, which is neutral and non-polar, at codon 592 of the IFT74 protein (p.Asp592Gly).

NM_025103.4(IFT74):c.1775A>G (p.Asp592Gly)

Gene: IFT74 (intraflagellar transport 74; plus strand). Cytogenetic location: 9p21.2.
Variant type: single nucleotide variant.
Coding change: c.1775A>G on transcript NM_025103.4 (MANE Select); coding-DNA position 1775, A replaced by G.
Protein change: p.Asp592Gly; replaces aspartic acid 592 with glycine.
Molecular consequence: missense variant. On other transcripts: 3 prime UTR variant (1).
Genome position (GRCh38, 1-based): chr9:27,062,708, A>G. VCF-style: chr9-27062708-A-G. GRCh37 (hg19) VCF-style: chr9-27062706-A-G.
Other names: c.1775A>G (NM_025103.2); c.1775A>G, p.Asp592Gly (NM_001099222.3, NM_001099223.3); c.*711A>G (NM_001349928.2); short protein forms D592G.
Identifiers: ClinVar variation 1966960 (VCV001966960.4), dbSNP rs372962980, ClinGen allele CA5015781.